The following is an entry in ClinVar:

NM_016343.4(CENPF):c.8526G>C (p.Glu2842Asp)

Gene: CENPF (centromere protein F; plus strand). Cytogenetic location: 1q41.
Variant type: single nucleotide variant.
Coding change: c.8526G>C on transcript NM_016343.4 (MANE Select); coding-DNA position 8526, G replaced by C.
Protein change: p.Glu2842Asp; replaces glutamic acid 2842 with aspartic acid.
Molecular consequence: missense variant.
Genome position (GRCh38, 1-based): chr1:214,656,973, G>C. VCF-style: chr1-214656973-G-C. GRCh37 (hg19) VCF-style: chr1-214830316-G-C.
Other names: short protein forms E2842D.
Identifiers: ClinVar variation 1338208 (VCV001338208.5), dbSNP rs1039446040, ClinGen allele CA37380880.

ClinVar aggregate classification (germline): Uncertain significance. Review status: criteria provided, multiple submitters, no conflicts (2 of 4 stars). 2 submissions from 2 submitters: Uncertain significance (2). Last evaluated 2025-08-27.

Conditions:
Inborn genetic diseases. Identifiers: MedGen C0950123, MeSH D030342.

Allele frequency attached by ClinVar (database versions not stated): gnomAD exomes below 0.00001; gnomAD 0.00001; TOPMed 0.00001.

Submissions (2):

Ambry Genetics
Classification: Uncertain significance for Inborn genetic diseases. Last evaluated: 2025-08-27. Review status: criteria provided, single submitter. Criteria: Ambry Variant Classification Scheme 2023. Collection method: clinical testing. Allele origin: germline.

Genetic Services Laboratory, University of Chicago
Classification: Uncertain significance. Last evaluated: 2021-12-27. Review status: criteria provided, single submitter. Criteria: ACMG Guidelines, 2015. Collection method: clinical testing. Allele origin: germline. Affected: no.
Comment: DNA sequence analysis of the CENPF gene demonstrated a sequence change, c.8526G>C, in exon 18 that results in an amino acid change, p.Glu2842Asp. This sequence change has been described in the gnomAD database in two individuals which corresponds to a population frequency of 0.0007 % (dbSNP rs1039446040). The p.Glu2842Asp change affects a moderately conserved amino acid residue located in a domain of the CENPF protein that is not known to be functional. In-silico pathogenicity prediction tools (SIFT, PolyPhen2, Align GVGD, REVEL) provide contradictory results for the p.Glu2842Asp substitution. This sequence change does not appear to have been previously described in individuals with CENPF-related disorders. Due to insufficient evidences and the lack of functional studies, the clinical significance of the p.Glu2842Asp change remains unknown at this time.